The following is an entry in ClinVar:

NM_015041.3(CLUAP1):c.896A>G (p.Lys299Arg)

Gene: CLUAP1 (clusterin associated protein 1; plus strand). Cytogenetic location: 16p13.3.
Variant type: single nucleotide variant.
Coding change: c.896A>G on transcript NM_015041.3 (MANE Select); coding-DNA position 896, A replaced by G.
Protein change: p.Lys299Arg; replaces lysine 299 with arginine.
Molecular consequence: missense variant.
Genome position (GRCh38, 1-based): chr16:3,526,452, A>G. VCF-style: chr16-3526452-A-G. GRCh37 (hg19) VCF-style: chr16-3576452-A-G.
Other names: c.896A>G, p.Lys299Arg (NM_001330454.2); c.398A>G, p.Lys133Arg (NM_024793.3); short protein forms K133R, K299R.
Identifiers: ClinVar variation 1715516 (VCV001715516.5), dbSNP rs2543989949, ClinGen allele CA394514814.
Genomic context (GRCh38, chr16:3,526,452, plus strand): 5'-CTGTATTTCCTCTTCCACAGGAAGCTAAAAACACTCTCTGCCTGATACAGAACAAGCTCA[A>G]GGAGGAAGAGAAGCGCCTGCTCAAGAGTGGAAGTAAGGCTGGGCTTCGTAGACGAGCAGT-3'
Protein context (NP_055856.1, residues 289-309): NTLCLIQNKL[Lys299Arg]EEEKRLLKSG

ClinVar aggregate classification (germline): Uncertain significance (1 of 4 stars; one submission).

Submission:

Labcorp Genetics (formerly Invitae), Labcorp
Classification: Uncertain significance. Last evaluated: 2024-05-07. Review status: criteria provided, single submitter. Criteria: Invitae Variant Classification Sherloc (09022015). Collection method: clinical testing. Allele origin: germline.
Comment: This sequence change replaces lysine, which is basic and polar, with arginine, which is basic and polar, at codon 299 of the CLUAP1 protein (p.Lys299Arg). This variant is not present in population databases (gnomAD no frequency). This variant has not been reported in the literature in individuals affected with CLUAP1-related conditions. ClinVar contains an entry for this variant (Variation ID: 1715516). Advanced modeling of protein sequence and biophysical properties (such as structural, functional, and spatial information, amino acid conservation, physicochemical variation, residue mobility, and thermodynamic stability) performed at Invitae indicates that this missense variant is not expected to disrupt CLUAP1 protein function with a negative predictive value of 80%. In summary, the available evidence is currently insufficient to determine the role of this variant in disease. Therefore, it has been classified as a Variant of Uncertain Significance.